The following is an entry in ClinVar:

NM_001042492.3(NF1):c.7339G>C (p.Glu2447Gln)

Gene: NF1 (neurofibromin 1; plus strand). Cytogenetic location: 17q11.2.
Variant type: single nucleotide variant.
Coding change: c.7339G>C on transcript NM_001042492.3 (MANE Select); coding-DNA position 7339, G replaced by C.
Protein change: p.Glu2447Gln; replaces glutamic acid 2447 with glutamine.
Molecular consequence: missense variant.
Genome position (GRCh38, 1-based): chr17:31,350,200, G>C. VCF-style: chr17-31350200-G-C. GRCh37 (hg19) VCF-style: chr17-29677218-G-C.
Other names: c.7276G>C, p.Glu2426Gln (NM_000267.4); short protein forms E2426Q, E2447Q.
Identifiers: ClinVar variation 237593 (VCV000237593.5), dbSNP rs878853914, ClinGen allele CA10583523.

ClinVar aggregate classification (germline): Uncertain significance (1 of 4 stars; one submission).

Conditions:
Neurofibromatosis, type 1 (NF1). Also called: VON RECKLINGHAUSEN DISEASE; NEUROFIBROMATOSIS, TYPE I, SOMATIC; Peripheral type neurofibromatosis; Neurofibromatosis, type I. Identifiers: Orphanet 636, MedGen C0027831, MONDO:0018975, OMIM 162200. Disease mechanism: loss of function.

Submission:

Labcorp Genetics (formerly Invitae), Labcorp
Classification: Uncertain significance for Neurofibromatosis, type 1. Last evaluated: 2015-12-19. Review status: criteria provided, single submitter. Criteria: Invitae Variant Classification Sherloc (09022015). Collection method: clinical testing. Allele origin: germline.
Comment: Algorithms developed to predict the effect of missense changes on protein structure and function do not agree on the potential impact of this missense change (SIFT: "Tolerated"; PolyPhen-2: "Probably Damaging"; Align-GVGD: "Class C0"). This variant is not present in population databases (ExAC no frequency) and has not been reported in the literature in individuals with a NF1-related disease. In summary, this is a novel missense change with uncertain impact on protein function. It has been classified as a Variant of Uncertain Significance. This sequence change replaces glutamic acid with glutamine at codon 2426 of the NF1 protein (p.Glu2426Gln). The glutamic acid residue is moderately conserved and there is a small physicochemical difference between glutamic acid and glutamine.